The following is an entry in ClinVar:

ClinVar aggregate classification (germline): Likely benign. Review status: criteria provided, multiple submitters, no conflicts (2 of 4 stars). 6 submissions from 6 submitters: Likely benign (4). 2 of the submissions do not count toward it. Last evaluated 2026-01-21.

Conditions:
Dilated cardiomyopathy 1G (CMD1G). Identifiers: Orphanet 154, MedGen C1858763, MONDO:0011400, OMIM 604145.
Autosomal recessive limb-girdle muscular dystrophy type 2J (LGMDR10). Also called: MUSCULAR DYSTROPHY, LIMB-GIRDLE, AUTOSOMAL RECESSIVE 10; Limb-girdle muscular dystrophy, type 2J. Identifiers: Orphanet 140922, MedGen C1837342, MONDO:0012127, OMIM 608807.
Cardiomyopathy (CMYO). Also called: Cardiomyopathies. Identifiers: Orphanet 167848, MedGen C0878544, MONDO:0004994, HP:0001638. Inheritance: Various modes of inheritance.
Cardiovascular phenotype. Identifiers: MedGen CN230736.

Allele frequency attached by ClinVar (database versions not stated): ESP Exome Variant Server 0.00008; gnomAD exomes 0.00010 and 0.00005; ExAC 0.00011; gnomAD 0.00011 and 0.00007; 1000 Genomes Project 0.00020; 1000 Genomes Project 30x 0.00031; TOPMed 0.00005.
gnomAD v4.1: 90 of 1,613,980 alleles (0.0056%); highest among the groups gnomAD compares: East Asian, 0.04%; no homozygotes.

Submissions (6):

Labcorp Genetics (formerly Invitae), Labcorp
Classification: Likely benign for Dilated cardiomyopathy 1G; Autosomal recessive limb-girdle muscular dystrophy type 2J. Last evaluated: 2026-01-21. Review status: criteria provided, single submitter. Criteria: Invitae Variant Classification Sherloc (09022015). Collection method: clinical testing. Allele origin: germline.

CHEO Genetics Diagnostic Laboratory, Children's Hospital of Eastern Ontario
Classification: Likely benign for Cardiomyopathy. Last evaluated: 2022-05-11. Review status: criteria provided, single submitter. Criteria: ACMG Guidelines, 2015. Collection method: clinical testing. Allele origin: germline.

Ambry Genetics
Classification: Likely benign for Cardiovascular phenotype. Last evaluated: 2020-09-21. Review status: criteria provided, single submitter. Criteria: Ambry Variant Classification Scheme 2023. Collection method: clinical testing. Allele origin: germline.

GeneDx
Classification: Likely benign. Last evaluated: 2017-07-03. Review status: criteria provided, single submitter. Criteria: GeneDx Variant Classification (06012015). Collection method: clinical testing. Allele origin: germline. Affected: yes.
Comment: This variant is considered likely benign or benign based on one or more of the following criteria: it is a conservative change, it occurs at a poorly conserved position in the protein, it is predicted to be benign by multiple in silico algorithms, and/or has population frequency not consistent with disease.

Clinical Genetics DNA and cytogenetics Diagnostics Lab, Erasmus MC, Erasmus Medical Center
Classification: Likely benign. Review status: no assertion criteria provided. Collection method: clinical testing. Allele origin: germline. Affected: yes. Study: VKGL Data-share Consensus. Not counted in ClinVar's aggregate classification.

Genome Diagnostics Laboratory, University Medical Center Utrecht
Classification: Likely benign. Review status: no assertion criteria provided. Collection method: clinical testing. Allele origin: germline. Affected: yes. Study: VKGL Data-share Consensus. Not counted in ClinVar's aggregate classification.

NM_001267550.2(TTN):c.66C>T (p.Thr22=)

Gene: TTN (titin; minus strand). Cytogenetic location: 2q31.2.
Variant type: single nucleotide variant.
Coding change: c.66C>T on transcript NM_001267550.2 (MANE Select); coding-DNA position 66, C replaced by T.
Protein change: p.Thr22=; no amino-acid change (threonine 22 retained).
Molecular consequence: synonymous variant.
Genome position (GRCh38, 1-based): chr2:178,804,577, G>A on the plus strand (C>T on the coding strand, the complement: TTN is on the minus strand). VCF-style: chr2-178804577-G-A. GRCh37 (hg19) VCF-style: chr2-179669304-G-A.
Other names: c.66C>T, p.Thr22= (NM_001256850.1, NM_003319.4, NM_133378.4 and 3 more transcripts).
Identifiers: ClinVar variation 390101 (VCV000390101.17), dbSNP rs143623862, ClinGen allele CA2006440.
Genomic context (GRCh38, chr2:178,804,577, plus strand): 5'-GAAAAAAAAACAAAAGTGTGAATGTGTGAGCTTACCACTAATGTGAGCCTCAAAGGTTGC[G>A]GTACTACCCTCCAGTACCACAACGCTTTGTAACGGCTGCGTAAACGTCGGTGCTTGAGTT-3'
Protein context (NP_001254479.2, residues 12-32): LQSVVVLEGS[Thr22=]ATFEAHISGF